The following is an entry in ClinVar:

NM_001035.3(RYR2):c.10516C>T (p.Arg3506Ter)

Gene: RYR2 (ryanodine receptor 2; plus strand). Cytogenetic location: 1q43.
Variant type: single nucleotide variant.
Coding change: c.10516C>T on transcript NM_001035.3 (MANE Select); coding-DNA position 10516, C replaced by T.
Protein change: p.Arg3506Ter; replaces arginine 3506 with a stop codon.
Molecular consequence: nonsense.
Genome position (GRCh38, 1-based): chr1:237,718,483, C>T. VCF-style: chr1-237718483-C-T. GRCh37 (hg19) VCF-style: chr1-237881783-C-T.
Other names: short protein forms R3506*.
Identifiers: ClinVar variation 3069591 (VCV003069591.2), dbSNP rs777431224, ClinGen allele CA084366.
Genomic context (GRCh38, chr1:237,718,483, plus strand): 5'-ATAGAAGACTCCTTTTAGGTAACATATATTTCTTGACAGAAAGATACCGAGGATGAAGTA[C>T]GAGATATAATCCGCAGCAATATTCATTTACAAGGCAAGGTAAGCCAAATTTTATTCTTAA-3'

ClinVar aggregate classification (germline): Uncertain significance. Review status: criteria provided, multiple submitters, no conflicts (2 of 4 stars). 3 submissions from 3 submitters: Uncertain significance (3). Last evaluated 2026-01-27.

Conditions:
Cardiomyopathy (CMYO). Also called: Cardiomyopathies. Identifiers: Orphanet 167848, MedGen C0878544, MONDO:0004994, HP:0001638. Inheritance: Various modes of inheritance.
Catecholaminergic polymorphic ventricular tachycardia 1. Also called: RYR2-Related Catecholaminergic Polymorphic Ventricular Tachycardia; VENTRICULAR TACHYCARDIA, STRESS-INDUCED POLYMORPHIC 1; VENTRICULAR TACHYCARDIA, CATECHOLAMINERGIC POLYMORPHIC, 1, WITH OR WITHOUT ATRIAL DYSFUNCTION AND/OR DILATED CARDIOMYOPATHY. Identifiers: Orphanet 3286, MedGen C1631597, MONDO:0011484, OMIM 604772.
Catecholaminergic polymorphic ventricular tachycardia (CVPT). Also called: Catecholamine-induced polymorphic ventricular tachycardia. Identifiers: Orphanet 3286, MedGen C5574922, MONDO:0017990.

Allele frequency attached by ClinVar (database versions not stated): TOPMed below 0.00001; ExAC 0.00001; gnomAD exomes 0.00001.
gnomAD v4.1: 8 of 1,593,828 alleles (0.0005%); highest among the groups gnomAD compares: Non-Finnish European, 0.00043%; no homozygotes.

Submissions (3):

Labcorp Genetics (formerly Invitae), Labcorp
Classification: Uncertain significance for Catecholaminergic polymorphic ventricular tachycardia 1. Last evaluated: 2026-01-27. Review status: criteria provided, single submitter. Criteria: Invitae Variant Classification Sherloc (09022015). Collection method: clinical testing. Allele origin: germline.
Comment: This sequence change creates a premature translational stop signal (p.Arg3506*) in the RYR2 gene. It is expected to result in an absent or disrupted protein product. However, the current clinical and genetic evidence is not sufficient to establish whether loss-of-function variants in RYR2 cause disease. This variant is present in population databases (rs777431224, gnomAD 0.0009%). This variant has not been reported in the literature in individuals affected with RYR2-related conditions. ClinVar contains an entry for this variant (Variation ID: 3069591). Algorithms developed to predict the effect of sequence changes on RNA splicing suggest that this variant may disrupt the consensus splice site. In summary, the available evidence is currently insufficient to determine the role of this variant in disease. Therefore, it has been classified as a Variant of Uncertain Significance.

Color Diagnostics, LLC DBA Color Health
Classification: Uncertain significance for Cardiomyopathy. Last evaluated: 2025-09-04. Review status: criteria provided, single submitter. Criteria: ACMG Guidelines, 2015. Collection method: clinical testing. Allele origin: germline.
Comment: This variant changes 1 nucleotide in exon 73 of the RYR2 gene, creating a premature translation stop signal. This variant is expected to result in an absent protein product. To our knowledge, this variant has not been reported in individuals affected with RYR2-related disorders in the literature. This variant has been identified in 1/247980 chromosomes in the general population by the Genome Aggregation Database (gnomAD). The role of loss-of-function RYR2 truncation variants in cardiovascular disorders is not clearly understood. The available evidence is insufficient to determine the role of this variant in disease conclusively. Therefore, this variant is classified as a Variant of Uncertain Significance.

All of Us Research Program, National Institutes of Health
Classification: Uncertain significance for Catecholaminergic polymorphic ventricular tachycardia. Last evaluated: 2023-02-24. Review status: criteria provided, single submitter. Criteria: ACMG Guidelines, 2015. Collection method: clinical testing. Allele origin: germline. Inheritance: Autosomal dominant inheritance. Observed: 1 variant allele, 1 heterozygote.
Comment: This variant changes 1 nucleotide in exon 73 of the RYR2 gene, creating a premature translation stop signal. This variant is expected to result in an absent or non-functional protein product. To our knowledge, this variant has not been reported in individuals affected with cardiovascular disorders in the literature. This variant has been identified in 1/247980 chromosomes in the general population by the Genome Aggregation Database (gnomAD). The role of loss-of-function RYR2 truncation variants in cardiovascular disorders is not clearly understood. The available evidence is insufficient to determine the role of this variant in disease conclusively. Therefore, this variant is classified as a Variant of Uncertain Significance.

This study involves interpretation of variants in research participants for the purpose of population health screening. Participant phenotype was not available at the time of variant classification. Additional details can be found in publication PMID: 35346344, PMCID: PMC8962531